The following is an entry in ClinVar:

NM_006912.6(RIT1):c.235C>T (p.Gln79Ter)

Gene: RIT1 (Ras like without CAAX 1; minus strand). Cytogenetic location: 1q22.
Variant type: single nucleotide variant.
Coding change: c.235C>T on transcript NM_006912.6 (MANE Select); coding-DNA position 235, C replaced by T.
Protein change: p.Gln79Ter; replaces glutamine 79 with a stop codon.
Molecular consequence: nonsense.
Genome position (GRCh38, 1-based): chr1:155,904,733, G>A on the plus strand (C>T on the coding strand, the complement: RIT1 is on the minus strand). VCF-style: chr1-155904733-G-A. GRCh37 (hg19) VCF-style: chr1-155874524-G-A.
Other names: c.127C>T, p.Gln43Ter (NM_001256820.2); c.286C>T, p.Gln96Ter (NM_001256821.2); short protein forms Q43*, Q79*, Q96*.
Identifiers: ClinVar variation 4727628 (VCV004727628.1).
Genomic context (GRCh38, chr1:155,904,733, plus strand): 5'-CCCCTCCCCTTTGCTAGAGTAAAAAAGCCTTTACTCATAACATTCTGGGATTTAATACCT[G>A]TCCAGCTGTATCCAAAATGTCCAGATTGGCAGGCTCATCATCAATACGGATCCTGATCTT-3'

ClinVar aggregate classification (germline): Uncertain significance (1 of 4 stars; one submission).

Conditions:
Noonan syndrome 8 (NS8). Identifiers: Orphanet 648, MedGen C3809233, MONDO:0014143, OMIM 615355.

Submission:

Labcorp Genetics (formerly Invitae), Labcorp
Classification: Uncertain significance for Noonan syndrome 8. Last evaluated: 2025-09-22. Review status: criteria provided, single submitter. Criteria: Invitae Variant Classification Sherloc (09022015). Collection method: clinical testing. Allele origin: germline.
Comment: This sequence change creates a premature translational stop signal (p.Gln79*) in the RIT1 gene. It is expected to result in an absent or disrupted protein product. However, the current clinical and genetic evidence is not sufficient to establish whether loss-of-function variants in RIT1 cause disease. This variant is not present in population databases (gnomAD no frequency). This variant has not been reported in the literature in individuals affected with RIT1-related conditions. Algorithms developed to predict the effect of sequence changes on RNA splicing suggest that this variant may disrupt the consensus splice site. In summary, the available evidence is currently insufficient to determine the role of this variant in disease. Therefore, it has been classified as a Variant of Uncertain Significance.